The following is an entry in ClinVar:

NM_001943.5(DSG2):c.2T>C (p.Met1Thr)

Genes: DSG2 (desmoglein 2; plus strand), LOC130062340 (ATAC-STARR-seq lymphoblastoid silent region 9384; plus strand). Cytogenetic location: 18q12.1.
Variant type: single nucleotide variant.
Coding change: c.2T>C on transcript NM_001943.5 (MANE Select); coding-DNA position 2, T replaced by C.
Protein change: p.Met1Thr; changes the start codon (methionine 1).
Molecular consequence: missense variant, initiator codon variant.
Genome position (GRCh38, 1-based): chr18:31,498,253, T>C. VCF-style: chr18-31498253-T-C. GRCh37 (hg19) VCF-style: chr18-29078216-T-C.
Other names: short protein forms M1T.
Identifiers: ClinVar variation 4756353 (VCV004756353.1).
Genomic context (GRCh38, chr18:31,498,253, plus strand): 5'-GCTCGGGGCAGGCGGCGGCGCGGAGCGGTGCGGCGGCGGGAGGCGGAGGCGAGGGTGCGA[T>C]GGCGCGGAGCCCGGGACGCGCGTACGCCCTGCTGCTTCTCCTGGTAAGTGCCGCAAGCGG-3'
Protein context (NP_001934.2, residues 1-11): [Met1Thr]ARSPGRAYAL

ClinVar aggregate classification (germline): Uncertain significance (1 of 4 stars; one submission).

Conditions:
Cardiomyopathy (CMYO). Also called: Cardiomyopathies. Identifiers: Orphanet 167848, MedGen C0878544, MONDO:0004994, HP:0001638. Inheritance: Various modes of inheritance.

Submission:

Color Diagnostics, LLC DBA Color Health
Classification: Uncertain significance for Cardiomyopathy. Last evaluated: 2025-12-08. Review status: criteria provided, single submitter. Criteria: ACMG Guidelines, 2015. Collection method: clinical testing. Allele origin: germline.
Comment: This variant alters methionine at codon 1 of the DSG2 mRNA that serves as the translation initiation codon. An alternate in-frame methionine downstream of the initiator methionine occurs at codon 179 in extracellular cadherin domain 2, after signal peptide and propeptide. To our knowledge, functional studies have not been reported for this variant. This variant has not been reported in individuals affected with DSG2-related disorders in the literature. However other variants impacting the initiation codon have been reported with arrhythmogenic cardiomyopathy (PMID: 17105751, 20829228). This variant has not been identified in the general population by the Genome Aggregation Database (gnomAD). Although there is a suspicion for a pathogenic role, clinical relevance of loss-of-function DSG2 variants in autosomal dominant arrhythmogenic right ventricular cardiomyopathy is not yet clearly established. The available evidence is insufficient to determine the role of this variant in disease conclusively. Therefore, this variant is classified as a Variant of Uncertain Significance.

Literature cited by the submitters: PubMed 17105751; PubMed 20829228.